The following is an entry in ClinVar:

ClinVar aggregate classification (germline): Uncertain significance (1 of 4 stars; one submission).

Allele frequency attached by ClinVar (database versions not stated): TOPMed below 0.00001.
gnomAD v4.1: 3 of 1,613,920 alleles (0.00019%); highest among the groups gnomAD compares: African/African-American, 0.0027%; no homozygotes.

Submission:

Labcorp Genetics (formerly Invitae), Labcorp
Classification: Uncertain significance. Last evaluated: 2021-08-13. Review status: criteria provided, single submitter. Criteria: Invitae Variant Classification Sherloc (09022015). Collection method: clinical testing. Allele origin: germline.
Comment: This variant is not present in population databases (ExAC no frequency). This variant has not been reported in the literature in individuals affected with A2ML1-related conditions. Algorithms developed to predict the effect of missense changes on protein structure and function are either unavailable or do not agree on the potential impact of this missense change (SIFT: "Tolerated"; PolyPhen-2: "Probably Damaging"; Align-GVGD: "Class C0"). In summary, the available evidence is currently insufficient to determine the role of this variant in disease. Therefore, it has been classified as a Variant of Uncertain Significance. This sequence change replaces tyrosine with cysteine at codon 1309 of the A2ML1 protein (p.Tyr1309Cys). The tyrosine residue is moderately conserved and there is a large physicochemical difference between tyrosine and cysteine.

NM_144670.6(A2ML1):c.3926A>G (p.Tyr1309Cys)

Gene: A2ML1 (alpha-2-macroglobulin like 1; plus strand). Cytogenetic location: 12p13.31.
Variant type: single nucleotide variant.
Coding change: c.3926A>G on transcript NM_144670.6 (MANE Select); coding-DNA position 3926, A replaced by G.
Protein change: p.Tyr1309Cys; replaces tyrosine 1309 with cysteine.
Molecular consequence: missense variant.
Genome position (GRCh38, 1-based): chr12:8,868,050, A>G. VCF-style: chr12-8868050-A-G. GRCh37 (hg19) VCF-style: chr12-9020646-A-G.
Other names: c.2453A>G, p.Tyr818Cys (NM_001282424.3); short protein forms Y1309C, Y818C.
Identifiers: ClinVar variation 1355294 (VCV001355294.6), dbSNP rs755582489, ClinGen allele CA383844396.
Genomic context (GRCh38, chr12:8,868,050, plus strand): 5'-ATACCCTGCCCAATGTCCCTGGAATGTACACGTTGGAGGCCTCAGGCCAGGGCTGTGTCT[A>G]TGTGCAGGTAAGTAGAGATCCATGAGAATGAGCGGACATTGGGAAGGAGAGTCGGAGAGC-3'
Protein context (NP_653271.3, residues 1299-1319): TLEASGQGCV[Tyr1309Cys]VQTVLRYNIL